The following is an entry in ClinVar:

ClinVar aggregate classification (germline): Pathogenic (1 of 4 stars; one submission).

Conditions:
Ehlers-Danlos syndrome, classic type, 1 (EDSCL1). Also called: Ehlers-Danlos syndrome, type 1; Ehlers-Danlos Syndrome, Classic Type, COL5A1-Related; EDS I; EHLERS-DANLOS SYNDROME, GRAVIS TYPE; EHLERS-DANLOS SYNDROME, SEVERE CLASSIC TYPE. Identifiers: MedGen C0268335, MONDO:0019567, OMIM 130000.

Allele frequency attached by ClinVar (database versions not stated): gnomAD exomes below 0.00001.
gnomAD v4.1: 1 of 1,614,072 alleles (0.000062%); highest among the groups gnomAD compares: Non-Finnish European, 0.000085%; no homozygotes.

Submission:

Labcorp Genetics (formerly Invitae), Labcorp
Classification: Pathogenic for Ehlers-Danlos syndrome, classic type, 1. Last evaluated: 2023-03-21. Review status: criteria provided, single submitter. Criteria: Invitae Variant Classification Sherloc (09022015). Collection method: clinical testing. Allele origin: germline.
Comment: This sequence change replaces glycine, which is neutral and non-polar, with arginine, which is basic and polar, at codon 1372 of the COL5A1 protein (p.Gly1372Arg). This variant is not present in population databases (gnomAD no frequency). This missense change has been observed in individual(s) with autosomal dominant Ehlers-Danlos syndrome (PMID: 33656776; Invitae). In at least one individual the variant was observed to be de novo. ClinVar contains an entry for this variant (Variation ID: 863123). Advanced modeling of protein sequence and biophysical properties (such as structural, functional, and spatial information, amino acid conservation, physicochemical variation, residue mobility, and thermodynamic stability) performed at Invitae indicates that this missense variant is expected to disrupt COL5A1 protein function. This variant disrupts the triple helix domain of COL5A1. Glycine residues within the Gly-Xaa-Yaa repeats of the triple helix domain are required for the structure and stability of fibrillar collagens (PMID: 7695699, 8218237, 19344236), and variants at these glycine residues in COL5A1 are more frequently observed in individuals with disease than in the general population (PMID: 22696272, 23587214). However, the clinical significance of this observation remains uncertain since only a limited number of affected individuals have been described to date. For these reasons, this variant has been classified as Pathogenic.

Literature cited by the submitters: PubMed 33656776; PubMed 7695699; PubMed 8218237; PubMed 19344236; PubMed 22696272; PubMed 23587214.

NM_000093.5(COL5A1):c.4114G>A (p.Gly1372Arg)

Gene: COL5A1 (collagen type V alpha 1 chain; plus strand). Cytogenetic location: 9q34.3.
Variant type: single nucleotide variant.
Coding change: c.4114G>A on transcript NM_000093.5 (MANE Select); coding-DNA position 4114, G replaced by A.
Protein change: p.Gly1372Arg; replaces glycine 1372 with arginine.
Molecular consequence: missense variant.
Genome position (GRCh38, 1-based): chr9:134,815,980, G>A. VCF-style: chr9-134815980-G-A. GRCh37 (hg19) VCF-style: chr9-137707826-G-A.
Other names: c.4114G>A, p.Gly1372Arg (NM_001278074.1); short protein forms G1372R.
Identifiers: ClinVar variation 863123 (VCV000863123.11), dbSNP rs1838729952, ClinGen allele CA375456419.